The following is an entry in ClinVar:

ClinVar aggregate classification (germline): Pathogenic (1 of 4 stars; one submission).

Conditions:
Familial adenomatous polyposis 1 (FAP1). Also called: FAMILIAL ADENOMATOUS POLYPOSIS 1, ATTENUATED; POLYPOSIS, ADENOMATOUS INTESTINAL. Identifiers: MedGen C2713442, MONDO:0021056, OMIM 175100. Disease mechanism: loss of function.

Submission:

Myriad Genetics, Inc.
Classification: Pathogenic for Familial adenomatous polyposis 1. Last evaluated: 2025-11-12. Review status: criteria provided, single submitter. Criteria: Myriad Autosomal Dominant, Autosomal Recessive and X-Linked Classification Criteria (2023). Collection method: clinical testing. Allele origin: unknown.
Comment: This variant is considered pathogenic. This variant creates a frameshift predicted to result in premature protein truncation.

NM_000038.6(APC):c.5629del (p.Glu1877fs)

Gene: APC (APC regulator of Wnt signaling pathway; plus strand). Cytogenetic location: 5q22.2.
Variant type: Deletion.
Coding change: c.5629del on transcript NM_000038.6 (MANE Select); coding-DNA position 5629, one base deleted (G; older notation c.5629delG).
Protein change: p.Glu1877fs; shifts the reading frame from glutamic acid 1877.
Molecular consequence: frameshift variant. On other transcripts: non-coding transcript variant (2).
Genome position (GRCh38, 1-based): chr5:112,841,223, G deleted; the last of 3 consecutive G bases (chr5:112,841,221-112,841,223); deleting any one gives the same sequence. VCF-style (leftmost placement, unchanged base first): chr5-112841220-AG-A. GRCh37 (hg19) VCF-style: chr5-112176917-AG-A.
Other names: c.5629del, p.Glu1877fs (NM_001127510.3, NM_001354895.2, NM_001407450.1); c.5575del, p.Glu1859fs (NM_001127511.3); c.5683del, p.Glu1895fs (NM_001354896.2, NM_001407447.1, NM_001407448.1 and 1 more transcripts); c.5659del, p.Glu1887fs (NM_001354897.2); c.5554del, p.Glu1852fs (NM_001354898.2); c.5545del, p.Glu1849fs (NM_001354899.2); c.5506del, p.Glu1836fs (NM_001354900.2); c.5452del, p.Glu1818fs (NM_001354901.2, NM_001407453.1); and 11 more; short protein forms E1493fs, E1594fs, E1717fs, E1748fs, E1751fs, E1776fs, E1786fs, E1794fs.
Identifiers: ClinVar variation 4812985 (VCV004812985.1).